The following is an entry in ClinVar:

NM_001127649.3(PEX26):c.119A>G (p.Glu40Gly)

Gene: PEX26 (peroxisomal biogenesis factor 26; plus strand). Cytogenetic location: 22q11.21.
Variant type: single nucleotide variant.
Coding change: c.119A>G on transcript NM_001127649.3 (MANE Select); coding-DNA position 119, A replaced by G.
Protein change: p.Glu40Gly; replaces glutamic acid 40 with glycine.
Molecular consequence: missense variant.
Genome position (GRCh38, 1-based): chr22:18,078,495, A>G. VCF-style: chr22-18078495-A-G. GRCh37 (hg19) VCF-style: chr22-18561261-A-G.
Other names: c.119A>G, p.Glu40Gly (NM_001199319.2, NM_017929.6); short protein forms E40G.
Identifiers: ClinVar variation 2040379 (VCV002040379.6), dbSNP rs1158271855, ClinGen allele CA410264678.

ClinVar aggregate classification (germline): Uncertain significance. Review status: criteria provided, multiple submitters, no conflicts (2 of 4 stars). 2 submissions from 2 submitters: Uncertain significance (2). Last evaluated 2022-07-19.

Conditions:
Peroxisome biogenesis disorder 7A (Zellweger). Also called: Peroxisome biogenesis disorder 7A. Identifiers: Orphanet 912, MedGen C3888385, MONDO:0013938, OMIM 614872.
Peroxisome biogenesis disorder 7B (PBD7B). Identifiers: Orphanet 44, MedGen C3553951, MONDO:0013939, OMIM 614873.

Submissions (2):

Labcorp Genetics (formerly Invitae), Labcorp
Classification: Uncertain significance for Peroxisome biogenesis disorder 7A (Zellweger); Peroxisome biogenesis disorder 7B. Last evaluated: 2022-07-19. Review status: criteria provided, single submitter. Criteria: Invitae Variant Classification Sherloc (09022015). Collection method: clinical testing. Allele origin: germline.
Comment: In summary, the available evidence is currently insufficient to determine the role of this variant in disease. Therefore, it has been classified as a Variant of Uncertain Significance. This variant has not been reported in the literature in individuals affected with PEX26-related conditions. The frequency data for this variant in the population databases is considered unreliable, as metrics indicate poor data quality at this position in the gnomAD database. This sequence change replaces glutamic acid, which is acidic and polar, with glycine, which is neutral and non-polar, at codon 40 of the PEX26 protein (p.Glu40Gly). Algorithms developed to predict the effect of missense changes on protein structure and function are either unavailable or do not agree on the potential impact of this missense change (SIFT: "Tolerated"; PolyPhen-2: "Probably Damaging"; Align-GVGD: "Class C0").

Laboratorio de Genetica e Diagnostico Molecular, Hospital Israelita Albert Einstein
Classification: Uncertain significance for Peroxisome biogenesis disorder 7A (Zellweger). Last evaluated: 2022-07-06. Review status: criteria provided, single submitter. Criteria: ACMG Guidelines, 2015. Collection method: clinical testing. Allele origin: germline. Affected: yes.
Comment: ACMG classification criteria: PM2 moderated